The following is an entry in ClinVar:

NM_006118.4(HAX1):c.383C>G (p.Ser128Ter)

Gene: HAX1 (HCLS1 associated protein X-1; plus strand). Cytogenetic location: 1q21.3.
Variant type: single nucleotide variant.
Coding change: c.383C>G on transcript NM_006118.4 (MANE Select); coding-DNA position 383, C replaced by G.
Protein change: p.Ser128Ter; replaces serine 128 with a stop codon.
Molecular consequence: nonsense.
Genome position (GRCh38, 1-based): chr1:154,273,840, C>G. VCF-style: chr1-154273840-C-G. GRCh37 (hg19) VCF-style: chr1-154246316-C-G.
Other names: c.239C>G, p.Ser80Ter (NM_001018837.2); short protein forms S128*, S80*.
Identifiers: ClinVar variation 561028 (VCV000561028.3), dbSNP rs1398108109, ClinGen allele CA342592525.
Genomic context (GRCh38, chr1:154,273,840, plus strand): 5'-CAGGTCCTGAGTCAGAGACACCTGGTGAGAGACTACGGGAGGGACAGACACTTCGGGACT[C>G]AATGCTTAAGTATCCAGATAGTCACCAGCCCAGGATCTTTGGGGGGGTCTTGGAGAGTGA-3'

ClinVar aggregate classification (germline): Pathogenic. Review status: criteria provided, multiple submitters, no conflicts (2 of 4 stars). 2 submissions from 2 submitters: Pathogenic (2). Last evaluated 2023-11-10.

Conditions:
Kostmann syndrome (SCN3). Also called: Autosomal recessive severe congenital neutropenia type 3; KOSTMANN DISEASE. Identifiers: Orphanet 99749, MedGen C5235141, MONDO:0012548, OMIM 610738.

Allele frequency attached by ClinVar (database versions not stated): gnomAD exomes below 0.00001.
gnomAD v4.1: 2 of 1,614,072 alleles (0.00012%); highest among the groups gnomAD compares: Non-Finnish European, 0.00017%; no homozygotes.

Submissions (2):

Daryl Scott Lab, Baylor College of Medicine
Classification: Pathogenic for Kostmann syndrome. Last evaluated: 2023-11-10. Review status: criteria provided, single submitter. Criteria: ACMG Guidelines, 2015. Collection method: clinical testing. Allele origin: biparental. Affected: yes.

Baylor Genetics
Classification: Pathogenic for Kostmann syndrome. Last evaluated: 2017-09-01. Review status: criteria provided, single submitter. Criteria: ACMG Guidelines, 2015. Collection method: clinical testing. Allele origin: paternal. Inheritance: Autosomal recessive inheritance. Affected: yes.
Comment: Mutation affects both isoforms of the gene, which have been associated with neurologic symptoms (PMID: 21108402).

Literature cited by the submitters: PubMed 25326635 (cited by Baylor Genetics).